The following is an entry in ClinVar:

ClinVar aggregate classification (germline): Benign/Likely benign. Review status: criteria provided, multiple submitters, no conflicts (2 of 4 stars). 5 submissions from 5 submitters: Benign (2); Likely benign (3). Last evaluated 2026-01-14.

Conditions:
Collagen 6-related myopathy. Identifiers: MedGen CN117976, MONDO:0100225.
Bethlem myopathy 1A. Also called: Bethlem Muscular Dystrophy; Bethlem myopathy 1; MYOPATHY, BENIGN CONGENITAL, WITH CONTRACTURES. Identifiers: Orphanet 610, MedGen CN029274, MONDO:0024530, OMIM 158810.

Allele frequency attached by ClinVar (database versions not stated): gnomAD 0.00057; 1000 Genomes Project 0.00180; ExAC 0.00082; TOPMed 0.00110; 1000 Genomes Project 30x 0.00187.
gnomAD v4.1: 427 of 1,614,212 alleles (0.026%); highest among the groups gnomAD compares: East Asian, 0.86%; 5 homozygotes.

Submissions (5):

Labcorp Genetics (formerly Invitae), Labcorp
Classification: Benign for Bethlem myopathy 1A. Last evaluated: 2026-01-14. Review status: criteria provided, single submitter. Criteria: Invitae Variant Classification Sherloc (09022015). Collection method: clinical testing. Allele origin: germline.

Illumina Laboratory Services, Illumina
Classification: Benign for Collagen VI-related myopathy. Last evaluated: 2018-01-12. Review status: criteria provided, single submitter. Criteria: ICSL Variant Classification Criteria 13 December 2019. Collection method: clinical testing. Allele origin: germline.
Comment: This variant was observed in the ICSL laboratory as part of a predisposition screen in an ostensibly healthy population. It had not been previously curated by ICSL or reported in the Human Gene Mutation Database (HGMD: prior to June 1st, 2018), and was therefore a candidate for classification through an automated scoring system. Utilizing variant allele frequency, disease prevalence and penetrance estimates, and inheritance mode, an automated score was calculated to assess if this variant is too frequent to cause the disease. Based on the score and internal cut-off values, a variant classified as benign is not then subjected to further curation. The score for this variant resulted in a classification of benign for this disease.

GeneDx
Classification: Likely benign. Last evaluated: 2017-07-28. Review status: criteria provided, single submitter. Criteria: GeneDx Variant Classification (06012015). Collection method: clinical testing. Allele origin: germline. Affected: yes.
Comment: This variant is considered likely benign or benign based on one or more of the following criteria: it is a conservative change, it occurs at a poorly conserved position in the protein, it is predicted to be benign by multiple in silico algorithms, and/or has population frequency not consistent with disease.

Eurofins Ntd Llc (ga)
Classification: Likely benign. Last evaluated: 2016-12-29. Review status: criteria provided, single submitter. Criteria: EGL Classification Definitions 2015. Collection method: clinical testing. Allele origin: germline. Observed: 3 variant alleles, 3 heterozygotes.

Breakthrough Genomics
Classification: Likely benign. Review status: criteria provided, single submitter. Criteria: ACMG Guidelines, 2015. Collection method: not provided. Allele origin: germline. Inheritance: Autosomal recessive inheritance. Affected: yes.

NM_004369.4(COL6A3):c.292A>T (p.Thr98Ser)

Gene: COL6A3 (collagen type VI alpha 3 chain; minus strand). Cytogenetic location: 2q37.3.
Variant type: single nucleotide variant.
Coding change: c.292A>T on transcript NM_004369.4 (MANE Select); coding-DNA position 292, A replaced by T.
Protein change: p.Thr98Ser; replaces threonine 98 with serine.
Molecular consequence: missense variant. On other transcripts: intron variant (4).
Genome position (GRCh38, 1-based): chr2:237,395,004, T>A on the plus strand (A>T on the coding strand, the complement: COL6A3 is on the minus strand). VCF-style: chr2-237395004-T-A. GRCh37 (hg19) VCF-style: chr2-238303647-T-A.
Other names: c.91+1723A>T (NM_057166.5, NM_057167.4, NM_057164.5 and 1 more transcripts).
Identifiers: ClinVar variation 166947 (VCV000166947.19), dbSNP rs76646066, ClinGen allele CA233844.